The following is an entry in ClinVar:

ClinVar aggregate classification (germline): Benign/Likely benign. Review status: criteria provided, multiple submitters, no conflicts (2 of 4 stars). 3 submissions from 3 submitters: Benign (1); Likely benign (2). Last evaluated 2026-06-16.

Conditions:
Polyps, multiple and recurrent inflammatory fibroid, gastrointestinal. Identifiers: MedGen C5193005, MONDO:0008285, OMIM 175510.
Hereditary cancer-predisposing syndrome. Also called: Neoplastic Syndromes, Hereditary; Hereditary Cancer Syndrome; Hereditary neoplastic syndrome; Tumor predisposition. Identifiers: Orphanet 140162, MedGen C0027672, MeSH D009386, MONDO:0015356.
Gastrointestinal stromal tumor. Also called: Gastrointestinal stromal tumor, somatic; Gastrointestinal stroma tumor. Identifiers: Orphanet 44890, MedGen C0238198, MeSH D046152, MONDO:0011719, OMIM 606764, HP:0100723.

Allele frequency attached by ClinVar (database versions not stated): gnomAD exomes below 0.00001.

Submissions (3):

Myriad Genetics, Inc.
Classification: Benign for Polyps, multiple and recurrent inflammatory fibroid, gastrointestinal. Last evaluated: 2026-06-16. Review status: criteria provided, single submitter. Criteria: Myriad Autosomal Dominant, Autosomal Recessive and X-Linked Classification Criteria (2023). Collection method: clinical testing. Allele origin: unknown.
Comment: This variant is considered benign. This variant is a silent/synonymous amino acid change and it is not expected to impact splicing.

Labcorp Genetics (formerly Invitae), Labcorp
Classification: Likely benign for Gastrointestinal stromal tumor. Last evaluated: 2025-10-21. Review status: criteria provided, single submitter. Criteria: Invitae Variant Classification Sherloc (09022015). Collection method: clinical testing. Allele origin: germline.

Ambry Genetics
Classification: Likely benign for Hereditary cancer-predisposing syndrome. Last evaluated: 2022-04-22. Review status: criteria provided, single submitter. Criteria: Ambry Variant Classification Scheme 2023. Collection method: clinical testing. Allele origin: germline.

NM_006206.6(PDGFRA):c.480C>G (p.Thr160=)

Gene: PDGFRA (platelet derived growth factor receptor alpha; plus strand). Cytogenetic location: 4q12.
Variant type: single nucleotide variant.
Coding change: c.480C>G on transcript NM_006206.6 (MANE Select); coding-DNA position 480, C replaced by G.
Protein change: p.Thr160=; no amino-acid change (threonine 160 retained).
Molecular consequence: synonymous variant.
Genome position (GRCh38, 1-based): chr4:54,263,779, C>G. VCF-style: chr4-54263779-C-G. GRCh37 (hg19) VCF-style: chr4-55129946-C-G.
Other names: c.480C>G, p.Thr160= (NM_001347827.2, NM_001347829.2); c.555C>G, p.Thr185= (NM_001347828.2); c.519C>G, p.Thr173= (NM_001347830.2).
Identifiers: ClinVar variation 749931 (VCV000749931.12), dbSNP rs1461385164, ClinGen allele CA439408757.